The following is an entry in ClinVar:

ClinVar aggregate classification (germline): Conflicting classifications of pathogenicity. Review status: criteria provided, conflicting classifications (1 of 4 stars). 2 submissions from 2 submitters: Pathogenic (1); Uncertain significance (1). Last evaluated 2024-10-02.

Conditions:
Autosomal recessive nonsyndromic hearing loss 59. Identifiers: Orphanet 90636, MedGen C1857744, MONDO:0012445, OMIM 610220.

gnomAD v4.1: 1 of 1,614,114 alleles (0.000062%); highest among the groups gnomAD compares: Non-Finnish European, 0.000085%; no homozygotes.

Submissions (2):

Women's Health and Genetics/Laboratory Corporation of America, LabCorp
Classification: Uncertain significance. Last evaluated: 2024-10-02. Review status: criteria provided, single submitter. Criteria: LabCorp Variant Classification Summary - May 2015. Collection method: clinical testing. Allele origin: germline.
Comment: Variant summary: PJVK c.880C>G (p.His294Asp) results in a non-conservative amino acid change in the encoded protein sequence. Three of five in-silico tools predict a damaging effect of the variant on protein function. The variant was absent in 249528 control chromosomes. The available data on variant occurrences in the general population are insufficient to allow any conclusion about variant significance. c.880C>G has been reported in the literature in at least one compound heterozygous individual affected with auditory neuropathy spectrum disorder in whom no pathogenic variants were found in the OTOF gene (e.g. Dominguez-Ruiz_2022). These data do not allow any conclusion about variant significance. To our knowledge, no experimental evidence demonstrating an impact on protein function has been reported. The following publication has been ascertained in the context of this evaluation (PMID: 35052489). ClinVar contains an entry for this variant (Variation ID: 1329506). Based on the evidence outlined above, the variant was classified as uncertain significance.

Genetics Department, Hospital Ramon y Cajal-IRYCIS
Classification: Pathogenic for Autosomal recessive nonsyndromic hearing loss 59. Last evaluated: 2021-12-23. Review status: criteria provided, single submitter. Criteria: ClinGen HL ACMG Specifications v1. Collection method: research. Allele origin: germline. Affected: yes.

Literature cited by the submitters: PubMed 35052489 (cited by Women's Health and Genetics/Laboratory Corporation of America, LabCorp and Genetics Department, Hospital Ramon y Cajal-IRYCIS).

NM_001042702.5(PJVK):c.880C>G (p.His294Asp)

Gene: PJVK (pejvakin; plus strand). Cytogenetic location: 2q31.2.
Variant type: single nucleotide variant.
Coding change: c.880C>G on transcript NM_001042702.5 (MANE Select); coding-DNA position 880, C replaced by G.
Protein change: p.His294Asp; replaces histidine 294 with aspartic acid.
Molecular consequence: missense variant.
Genome position (GRCh38, 1-based): chr2:178,461,095, C>G. VCF-style: chr2-178461095-C-G. GRCh37 (hg19) VCF-style: chr2-179325822-C-G.
Other names: c.889C>G, p.His297Asp (NM_001353775.2); c.886C>G, p.His296Asp (NM_001353776.2); c.403C>G, p.His135Asp (NM_001353777.1, NM_001353778.2); c.880C>G, p.His294Asp (NM_001369912.1); short protein forms H135D, H294D, H296D, H297D.
Identifiers: ClinVar variation 1329506 (VCV001329506.3), dbSNP rs2154126353, ClinGen allele CA349403083.